The following is an entry in ClinVar:

NM_004260.4(RECQL4):c.1595C>T (p.Pro532Leu)

Gene: RECQL4 (RecQ like helicase 4; minus strand). Cytogenetic location: 8q24.3.
Variant type: single nucleotide variant.
Coding change: c.1595C>T on transcript NM_004260.4 (MANE Select); coding-DNA position 1595, C replaced by T.
Protein change: p.Pro532Leu; replaces proline 532 with leucine.
Molecular consequence: missense variant.
Genome position (GRCh38, 1-based): chr8:144,514,961, G>A on the plus strand (C>T on the coding strand, the complement: RECQL4 is on the minus strand). VCF-style: chr8-144514961-G-A. GRCh37 (hg19) VCF-style: chr8-145740345-G-A.
Other names: c.1595C>T (NM_004260.3); short protein forms P532L.
Identifiers: ClinVar variation 1021927 (VCV001021927.6), dbSNP rs1827933646, ClinGen allele CA372683530.
Genomic context (GRCh38, chr8:144,514,961, plus strand): 5'-GCTGTGTACGTGTGCCCAGGGCCCTGTGTGCACACCTGGTCATCCATGAGTGACAGCAGG[G>A]GAGAGACGACCAACGTGAGGCAGGGGCTGCGCCGGCTGTAGAGCAGCGCTGGGAGCTGGT-3'
Protein context (NP_004251.4, residues 522-542): RSPCLTLVVS[Pro532Leu]LLSLMDDQVS

ClinVar aggregate classification (germline): Uncertain significance. Review status: criteria provided, multiple submitters, no conflicts (2 of 4 stars). 2 submissions from 2 submitters: Uncertain significance (2). Last evaluated 2025-08-29.

Conditions:
Baller-Gerold syndrome (BGS). Also called: CRANIOSYNOSTOSIS WITH RADIAL DEFECTS. Identifiers: Orphanet 1225, MedGen C0265308, MONDO:0009039, OMIM 218600.
Inborn genetic diseases. Identifiers: MedGen C0950123, MeSH D030342.

Allele frequency attached by ClinVar (database versions not stated): gnomAD exomes below 0.00001.
gnomAD v4.1: 1 of 1,611,824 alleles (0.000062%); highest among the groups gnomAD compares: Non-Finnish European, 0.000085%; no homozygotes.

Submissions (2):

Labcorp Genetics (formerly Invitae), Labcorp
Classification: Uncertain significance for Baller-Gerold syndrome. Last evaluated: 2025-08-29. Review status: criteria provided, single submitter. Criteria: Invitae Variant Classification Sherloc (09022015). Collection method: clinical testing. Allele origin: germline.
Comment: This sequence change replaces proline, which is neutral and non-polar, with leucine, which is neutral and non-polar, at codon 532 of the RECQL4 protein (p.Pro532Leu). This variant is not present in population databases (gnomAD no frequency). This variant has not been reported in the literature in individuals affected with RECQL4-related conditions. ClinVar contains an entry for this variant (Variation ID: 1021927). Invitae Evidence Modeling of protein sequence and biophysical properties (such as structural, functional, and spatial information, amino acid conservation, physicochemical variation, residue mobility, and thermodynamic stability) indicates that this missense variant is expected to disrupt RECQL4 protein function with a positive predictive value of 80%. In summary, the available evidence is currently insufficient to determine the role of this variant in disease. Therefore, it has been classified as a Variant of Uncertain Significance.

Ambry Genetics
Classification: Uncertain significance for Inborn genetic diseases. Last evaluated: 2025-08-20. Review status: criteria provided, single submitter. Criteria: Ambry Variant Classification Scheme 2023. Collection method: clinical testing. Allele origin: germline.
Comment: The p.P532L variant (also known as c.1595C>T), located in coding exon 9 of the RECQL4 gene, results from a C to T substitution at nucleotide position 1595. The proline at codon 532 is replaced by leucine, an amino acid with similar properties. This amino acid position is conserved. In addition, this alteration is predicted to be deleterious by in silico analysis. Based on the available evidence, the clinical significance of this variant remains unclear.